The following is an entry in ClinVar:

NC_000016.9:g.(?_50820746)_(50821783_?)del

Gene: CYLD (CYLD lysine 63 deubiquitinase; plus strand). Cytogenetic location: 16q12.1.
Variant type: Deletion.
Identifiers: ClinVar variation 3243651 (VCV003243651.1).

ClinVar aggregate classification (germline): Uncertain significance (1 of 4 stars; one submission).

Submission:

Labcorp Genetics (formerly Invitae), Labcorp
Classification: Uncertain significance. Last evaluated: 2024-01-18. Review status: criteria provided, single submitter. Criteria: Invitae Variant Classification Sherloc (09022015). Collection method: clinical testing. Allele origin: unknown.
Comment: This variant is a gross deletion of the genomic region encompassing exon(s) 14-15 of the CYLD gene. This variant would be expected to be in-frame, preserving the integrity of the reading frame. This variant has not been reported in the literature in individuals affected with CYLD-related conditions. Experimental studies and prediction algorithms are not available or were not evaluated, and the functional significance of this variant is currently unknown. In summary, the available evidence is currently insufficient to determine the role of this variant in disease. Therefore, it has been classified as a Variant of Uncertain Significance.